The following is an entry in ClinVar:

NM_213599.3(ANO5):c.146A>G (p.Lys49Arg)

Gene: ANO5 (anoctamin 5; plus strand). Cytogenetic location: 11p14.3.
Variant type: single nucleotide variant.
Coding change: c.146A>G on transcript NM_213599.3 (MANE Select); coding-DNA position 146, A replaced by G.
Protein change: p.Lys49Arg; replaces lysine 49 with arginine.
Molecular consequence: missense variant.
Genome position (GRCh38, 1-based): chr11:22,218,253, A>G. VCF-style: chr11-22218253-A-G. GRCh37 (hg19) VCF-style: chr11-22239799-A-G.
Other names: c.143A>G, p.Lys48Arg (NM_001142649.2); short protein forms K48R, K49R.
Identifiers: ClinVar variation 1378007 (VCV001378007.6), dbSNP rs2133578091, ClinGen allele CA379924760.

ClinVar aggregate classification (germline): Uncertain significance (1 of 4 stars; one submission).

Conditions:
Autosomal recessive limb-girdle muscular dystrophy type 2L (LGMDR12). Also called: Limb-girdle muscular dystrophy, type 2L; MUSCULAR DYSTROPHY, LIMB-GIRDLE, AUTOSOMAL RECESSIVE 12; Limb-Girdle Muscular Dystrophy R12 Anoctamin-5-Related (LGMD-R12). Identifiers: Orphanet 206549, MedGen C1969785, MONDO:0012652, OMIM 611307.
Gnathodiaphyseal dysplasia (GDD). Also called: GNATHODIAPHYSEAL SCLEROSIS; OSTEOGENESIS IMPERFECTA WITH UNUSUAL SKELETAL LESIONS. Identifiers: Orphanet 53697, MedGen C1833736, MONDO:0008151, OMIM 166260.

Submission:

Labcorp Genetics (formerly Invitae), Labcorp
Classification: Uncertain significance for Autosomal recessive limb-girdle muscular dystrophy type 2L; Gnathodiaphyseal dysplasia. Last evaluated: 2025-11-16. Review status: criteria provided, single submitter. Criteria: Invitae Variant Classification Sherloc (09022015). Collection method: clinical testing. Allele origin: germline.
Comment: This sequence change replaces lysine, which is basic and polar, with arginine, which is basic and polar, at codon 49 of the ANO5 protein (p.Lys49Arg). This variant is not present in population databases (gnomAD no frequency). This variant has not been reported in the literature in individuals affected with ANO5-related conditions. ClinVar contains an entry for this variant (Variation ID: 1378007). Invitae Evidence Modeling of protein sequence and biophysical properties (such as structural, functional, and spatial information, amino acid conservation, physicochemical variation, residue mobility, and thermodynamic stability) indicates that this missense variant is not expected to disrupt ANO5 protein function with a negative predictive value of 80%. In summary, the available evidence is currently insufficient to determine the role of this variant in disease. Therefore, it has been classified as a Variant of Uncertain Significance.